The following is an entry in ClinVar:

ClinVar aggregate classification (germline): Uncertain significance (1 of 4 stars; one submission).

Allele frequency attached by ClinVar (database versions not stated): gnomAD exomes below 0.00001.
gnomAD v4.1: 2 of 1,614,118 alleles (0.00012%); highest among the groups gnomAD compares: Admixed American, 0.0017%; no homozygotes.

Submission:

Labcorp Genetics (formerly Invitae), Labcorp
Classification: Uncertain significance. Last evaluated: 2022-01-06. Review status: criteria provided, single submitter. Criteria: Invitae Variant Classification Sherloc (09022015). Collection method: clinical testing. Allele origin: germline.
Comment: In summary, the available evidence is currently insufficient to determine the role of this variant in disease. Therefore, it has been classified as a Variant of Uncertain Significance. Experimental studies and prediction algorithms are not available or were not evaluated, and the functional significance of this variant is currently unknown. ClinVar contains an entry for this variant (Variation ID: 1029740). This variant has not been reported in the literature in individuals affected with CNNM4-related conditions. This variant is present in population databases (no rsID available, gnomAD 0.003%). This sequence change disrupts the translational stop signal of the CNNM4 mRNA. It is expected to extend the length of the CNNM4 protein by 38 additional amino acid residues.

NM_020184.4(CNNM4):c.2326T>C (p.Ter776Arg)

Gene: CNNM4 (cyclin and CBS domain divalent metal cation transport mediator 4; plus strand). Cytogenetic location: 2q11.2.
Variant type: single nucleotide variant.
Coding change: c.2326T>C on transcript NM_020184.4 (MANE Select); coding-DNA position 2326, T replaced by C.
Protein change: p.Ter776Arg.
Molecular consequence: stop lost.
Genome position (GRCh38, 1-based): chr2:96,809,515, T>C. VCF-style: chr2-96809515-T-C. GRCh37 (hg19) VCF-style: chr2-97475252-T-C.
Identifiers: ClinVar variation 1029740 (VCV001029740.5), dbSNP rs1269835667, ClinGen allele CA347710089.